The following is an entry in ClinVar:

NM_006348.5(COG5):c.2417_2420dup (p.Lys808fs)

Gene: COG5 (component of oligomeric golgi complex 5; minus strand). Cytogenetic location: 7q22.3.
Variant type: Duplication.
Coding change: c.2417_2420dup on transcript NM_006348.5 (MANE Select); coding-DNA positions 2417 to 2420, 4 bases duplicated (AAGG; older notation c.2417_2420dupAAGG).
Protein change: p.Lys808fs; shifts the reading frame from lysine 808.
Molecular consequence: frameshift variant.
Genome position (GRCh38, 1-based): chr7:107,203,586-107,203,589, CCTT duplicated on the plus strand (AAGG on the coding strand, the reverse complement: COG5 is on the minus strand); duplicating any 4 consecutive bases within chr7:107,203,586-107,203,590 gives the same sequence; the c. name uses the placement nearest the transcript's 3' end. VCF-style (leftmost placement, unchanged base first): chr7-107203585-G-GCCTT. GRCh37 (hg19) VCF-style: chr7-106844030-G-GCCTT.
Other names: c.2255_2258dup, p.Lys754fs (NM_001379511.1); c.2243_2246dup, p.Lys750fs (NM_001379512.1); c.2210_2213dup, p.Lys739fs (NM_001379513.1); c.2102_2105dup, p.Lys703fs (NM_001379514.1); c.1847_1850dup, p.Lys618fs (NM_001379515.1); c.1703_1706dup, p.Lys570fs (NM_001379516.1); c.2354_2357dup, p.Lys787fs (NM_181733.4); short protein forms K570fs, K618fs, K703fs, K739fs, K750fs, K754fs, K787fs, K808fs.
Identifiers: ClinVar variation 3250451 (VCV003250451.1), dbSNP rs1798521876.
Genomic context (GRCh38, chr7:107,203,585, plus strand): 5'-AGCAGACATAGCCTTTTGAAGCAGCTGAACCATTATGGGATAAACTGGTGCAAATTCTTT[G>GCCTT]CCTTCTCTACTTCTCACTGATTGAACATAAGCTTCCAGGGCTCCCCTGAAAACCAAAATG-3'

ClinVar aggregate classification (germline): Uncertain significance (1 of 4 stars; one submission).

Conditions:
COG5-congenital disorder of glycosylation. Also called: CONGENITAL DISORDER OF GLYCOSYLATION, TYPE IIi; COG5-CDG; CDG IIi. Identifiers: Orphanet 263487, MedGen C3150876, MONDO:0013325, OMIM 613612.

Submission:

Neuberg Centre For Genomic Medicine, NCGM
Classification: Uncertain significance for COG5-congenital disorder of glycosylation. Review status: criteria provided, single submitter. Criteria: ACMG Guidelines, 2015. Collection method: clinical testing. Allele origin: germline. Inheritance: Autosomal recessive inheritance. Affected: yes.
Comment: The observed frameshift c.2417_2420dup (p.Lys808ArgfsTer27) variant in COG5 gene has not been reported previously as a pathogenic variant nor as a benign variant, to our knowledge. The p.Lys808ArgfsTer27 variant is absent in gnomAD Exomes. This variant has not been submitted to the ClinVar database. This variant causes a frameshift starting with codon Lysine 808, changes this amino acid to Arginine residue, and creates a premature Stop codon at position 27 of the new reading frame, denoted p.Lys808ArgfsTer27. This variant is predicted to cause loss of normal protein function through protein truncation. Loss of function variants have been previously reported to be disease causing. One downstream termination variant in COG5 gene (c.2518G > T; p.Glu840Ter) was previously reported as pathogenic in literature (Rymen et al., 2012). However since this variant is present in the last exon, additional functional studies will be required to prove protein truncation. For these reasons, this variant has been classified as Variant of Uncertain Significance (VUS).